The following is an entry in ClinVar:

ClinVar aggregate classification (germline): Uncertain significance. Review status: criteria provided, multiple submitters, no conflicts (2 of 4 stars). 3 submissions from 2 submitters: Uncertain significance (3). Last evaluated 2025-03-26.

Conditions:
Dilated cardiomyopathy 1O (CMD1O). Also called: CARDIOMYOPATHY, DILATED, WITH VENTRICULAR TACHYCARDIA. Identifiers: Orphanet 154, MedGen C1837839, MONDO:0012062, OMIM 608569.
Hypertrichotic osteochondrodysplasia Cantu type. Also called: Cantu Syndrome; Cantú Syndrome. Identifiers: Orphanet 1517, MedGen C0795905, MONDO:0009406, OMIM 239850.

Allele frequency attached by ClinVar (database versions not stated): gnomAD exomes below 0.00001.
gnomAD v4.1: 2 of 1,613,810 alleles (0.00012%); highest among the groups gnomAD compares: Non-Finnish European, 0.00017%; no homozygotes.

Submissions (3):

Labcorp Genetics (formerly Invitae), Labcorp
Classification: Uncertain significance for Dilated cardiomyopathy 1O. Last evaluated: 2025-03-26. Review status: criteria provided, single submitter. Criteria: Invitae Variant Classification Sherloc (09022015). Collection method: clinical testing. Allele origin: germline.
Comment: This sequence change replaces valine, which is neutral and non-polar, with phenylalanine, which is neutral and non-polar, at codon 1507 of the ABCC9 protein (p.Val1507Phe). This variant is not present in population databases (gnomAD no frequency). This variant has not been reported in the literature in individuals affected with ABCC9-related conditions. ClinVar contains an entry for this variant (Variation ID: 883307). Invitae Evidence Modeling of protein sequence and biophysical properties (such as structural, functional, and spatial information, amino acid conservation, physicochemical variation, residue mobility, and thermodynamic stability) has been performed for this missense variant. However, the output from this modeling did not meet the statistical confidence thresholds required to predict the impact of this variant on ABCC9 protein function. In summary, the available evidence is currently insufficient to determine the role of this variant in disease. Therefore, it has been classified as a Variant of Uncertain Significance.

Illumina Laboratory Services, Illumina
Classification: Uncertain significance for Dilated cardiomyopathy 1O. Last evaluated: 2018-01-13. Review status: criteria provided, single submitter. Criteria: ICSL Variant Classification Criteria 13 December 2019. Collection method: clinical testing. Allele origin: germline.

Illumina Laboratory Services, Illumina
Classification: Uncertain significance for Hypertrichotic osteochondrodysplasia Cantu type. Last evaluated: 2018-01-13. Review status: criteria provided, single submitter. Criteria: ICSL Variant Classification Criteria 13 December 2019. Collection method: clinical testing. Allele origin: germline.

NM_020297.4(ABCC9):c.4512+693G>T

Genes: ABCC9 (ATP binding cassette subfamily C member 9; minus strand), KCNJ8-AS1 (KCNJ8 antisense RNA 1; plus strand). Cytogenetic location: 12p12.1.
Variant type: single nucleotide variant.
Coding change: c.4512+693G>T on transcript NM_020297.4 (MANE Select); 693 bases into the intron after coding-DNA position 4512, G replaced by T.
Molecular consequence: intron variant. On other transcripts: missense variant (1).
Genome position (GRCh38, 1-based): chr12:21,805,305, C>A on the plus strand (G>T on the coding strand, the complement: ABCC9 is on the minus strand). VCF-style: chr12-21805305-C-A. GRCh37 (hg19) VCF-style: chr12-21958239-C-A.
Other names: c.4519G>T, p.Val1507Phe (NM_005691.4); c.3645+693G>T (NM_001377274.1); c.4512+693G>T (NM_001377273.1); short protein forms V1507F.
Identifiers: ClinVar variation 883307 (VCV000883307.5), dbSNP rs876657737, ClinGen allele CA384129641.
Genomic context (GRCh38, chr12:21,805,305, plus strand): 5'-ACTCCACTAAAATACCCTCAGAAAAGACTAAAACAAGGCCTGCATCCATAATAGAAGAGA[C>A]ACGGTGCTGGAGAGAAAAATAGAAAAGAAGAGAATCAGCAGAAGGAAAAATGTCCAAGTG-3'